The following is an entry in ClinVar:

NM_000295.5(SERPINA1):c.*316G>T

Gene: SERPINA1 (serpin family A member 1; minus strand). Cytogenetic location: 14q32.13.
Variant type: single nucleotide variant.
Coding change: c.*316G>T on transcript NM_000295.5 (MANE Select); 316 bases downstream of the stop codon, G replaced by T.
Molecular consequence: 3 prime UTR variant.
Genome position (GRCh38, 1-based): chr14:94,378,133, C>A on the plus strand (G>T on the coding strand, the complement: SERPINA1 is on the minus strand). VCF-style: chr14-94378133-C-A. GRCh37 (hg19) VCF-style: chr14-94844470-C-A.
Other names: NC_000014.8:g.94844470C>A; c.*316G>T (NM_001002235.3, NM_001002236.3, NM_001127700.2 and 7 more transcripts).
Identifiers: ClinVar variation 315018 (VCV000315018.7), dbSNP rs1243164, ClinGen allele CA10645405.

ClinVar aggregate classification (germline): Benign. Review status: criteria provided, multiple submitters, no conflicts (2 of 4 stars). 2 submissions from 2 submitters: Benign (2). Last evaluated 2018-01-12.

Conditions:
Alpha-1-antitrypsin deficiency (A1ATD). Also called: Alpha1-Antitrypsin Deficiency; AAT deficiency; A1AT deficiency. Identifiers: Orphanet 60, MedGen C0221757, MONDO:0013282, OMIM 613490.

Allele frequency attached by ClinVar (database versions not stated): 1000 Genomes Project 0.25120; 1000 Genomes Project 30x 0.26234; TOPMed 0.30088; gnomAD 0.30828.
gnomAD v4.1: 97,333 of 405,016 alleles (24%); highest among the groups gnomAD compares: African/African-American, 56%; 15,806 homozygotes.

Submissions (5):

Illumina Laboratory Services, Illumina
Classification: Benign for Alpha-1-antitrypsin deficiency. Last evaluated: 2018-01-12. Review status: criteria provided, single submitter. Criteria: ICSL Variant Classification Criteria 13 December 2019. Collection method: clinical testing. Allele origin: germline.
Comment: This variant was observed in the ICSL laboratory as part of a predisposition screen in an ostensibly healthy population. It had not been previously curated by ICSL or reported in the Human Gene Mutation Database (HGMD: prior to June 1st, 2018), and was therefore a candidate for classification through an automated scoring system. Utilizing variant allele frequency, disease prevalence and penetrance estimates, and inheritance mode, an automated score was calculated to assess if this variant is too frequent to cause the disease. Based on the score and internal cut-off values, a variant classified as benign is not then subjected to further curation. The score for this variant resulted in a classification of benign for this disease.

Breakthrough Genomics
Classification: Benign. Review status: criteria provided, single submitter. Criteria: ACMG Guidelines, 2015. Collection method: not provided. Allele origin: germline. Inheritance: Autosomal recessive inheritance. Affected: yes.

Dr. Peter K. Rogan Lab, Western University
No classification provided (evidence only). Condition: Thymoma. Review status: no classification provided. Collection method: in vitro. Allele origin: not applicable. Functional consequence: retained intron. Not counted in ClinVar's aggregate classification.

Dr. Peter K. Rogan Lab, Western University
No classification provided (evidence only). Condition: Thymoma. Review status: no classification provided. Collection method: in vitro. Allele origin: not applicable. Functional consequence: retained intron. Not counted in ClinVar's aggregate classification.

Dr. Peter K. Rogan Lab, Western University
No classification provided (evidence only). Condition: Malignant tumor of esophagus. Review status: no classification provided. Collection method: in vitro. Allele origin: not applicable. Functional consequence: retained intron. Not counted in ClinVar's aggregate classification.